The following is an entry in ClinVar:

NM_020366.4(RPGRIP1):c.3683A>G (p.Tyr1228Cys)

Gene: RPGRIP1 (RPGR interacting protein 1; plus strand). Cytogenetic location: 14q11.2.
Variant type: single nucleotide variant.
Coding change: c.3683A>G on transcript NM_020366.4 (MANE Select); coding-DNA position 3683, A replaced by G.
Protein change: p.Tyr1228Cys; replaces tyrosine 1228 with cysteine.
Molecular consequence: missense variant.
Genome position (GRCh38, 1-based): chr14:21,348,237, A>G. VCF-style: chr14-21348237-A-G. GRCh37 (hg19) VCF-style: chr14-21816396-A-G.
Other names: c.3683A>G (NM_020366.3); c.1661A>G, p.Tyr554Cys (NM_001377523.1, NM_001377950.1); c.2609A>G, p.Tyr870Cys (NM_001377948.1); c.1769A>G, p.Tyr590Cys (NM_001377949.1); c.1166A>G, p.Tyr389Cys (NM_001377951.1); short protein forms Y554C, Y1228C, Y590C, Y870C, Y389C.
Identifiers: ClinVar variation 2051124 (VCV002051124.3), dbSNP rs774588678, ClinGen allele CA7089585.

ClinVar aggregate classification (germline): Uncertain significance. Review status: criteria provided, multiple submitters, no conflicts (2 of 4 stars). 3 submissions from 3 submitters: Uncertain significance (3). Last evaluated 2025-12-22.

Conditions:
Cone-rod dystrophy 13 (CORD13). Identifiers: Orphanet 1872, MedGen C2750720, MONDO:0011987, OMIM 608194.
Leber congenital amaurosis 6 (LCA6). Identifiers: Orphanet 65, MedGen C1854260, MONDO:0013446, OMIM 613826.
RPGRIP1-related disorder. Also called: RPGRIP1-related condition.

Allele frequency attached by ClinVar (database versions not stated): TOPMed 0.00002; gnomAD exomes 0.00005; ExAC 0.00006.
gnomAD v4.1: 72 of 1,589,596 alleles (0.0045%); highest among the groups gnomAD compares: Middle Eastern, 0.033%; no homozygotes.

Submissions (3):

PreventionGenetics, part of Exact Sciences
Classification: Uncertain significance for RPGRIP1-related condition. Last evaluated: 2025-12-22. Review status: criteria provided, single submitter. Criteria: ACMG Guidelines, 2015. Collection method: clinical testing. Allele origin: germline.
Comment: The RPGRIP1 c.3683A>G variant is predicted to result in the amino acid substitution p.Tyr1228Cys. This variant was previously reported in the heterozygous state in an individual with early-onset photoreceptor dystrophy; however, this individual harbored compound heterozygous variants in TULP1 (Verbakel et al. 2019. PubMed ID: 30950243). This variant is reported in 0.0066% of alleles in individuals of Latino descent in gnomAD. At this time, the clinical significance of this variant is uncertain due to the absence of conclusive functional and genetic evidence.

Blueprint Genetics
Classification: Uncertain significance. Last evaluated: 2024-05-17. Review status: criteria provided, single submitter. Criteria: ACMG Guidelines, 2015. Collection method: clinical testing. Allele origin: germline.

Labcorp Genetics (formerly Invitae), Labcorp
Classification: Uncertain significance for Leber congenital amaurosis 6; Cone-rod dystrophy 13. Last evaluated: 2022-08-08. Review status: criteria provided, single submitter. Criteria: Invitae Variant Classification Sherloc (09022015). Collection method: clinical testing. Allele origin: germline.
Comment: This sequence change replaces tyrosine, which is neutral and polar, with cysteine, which is neutral and slightly polar, at codon 1228 of the RPGRIP1 protein (p.Tyr1228Cys). This variant is present in population databases (rs774588678, gnomAD 0.007%). This variant has not been reported in the literature in individuals affected with RPGRIP1-related conditions. Algorithms developed to predict the effect of missense changes on protein structure and function are either unavailable or do not agree on the potential impact of this missense change (SIFT: "Deleterious"; PolyPhen-2: "Probably Damaging"; Align-GVGD: "Class C0"). In summary, the available evidence is currently insufficient to determine the role of this variant in disease. Therefore, it has been classified as a Variant of Uncertain Significance.